The following is an entry in ClinVar:

ClinVar aggregate classification (germline): Conflicting classifications of pathogenicity. Review status: criteria provided, conflicting classifications (1 of 4 stars). 20 submissions from 17 submitters: Uncertain significance (1); Benign (13); Likely benign (1). 5 of the submissions do not count toward it. Last evaluated 2026-02-04.

Conditions:
Cardiovascular phenotype. Identifiers: MedGen CN230736.
Familial Hypertrophic Cardiomyopathy with Wolff-Parkinson-White Syndrome. Identifiers: MedGen CN239247.
Cardiomyopathy (CMYO). Also called: Cardiomyopathies. Identifiers: Orphanet 167848, MedGen C0878544, MONDO:0004994, HP:0001638. Inheritance: Various modes of inheritance.
Dilated cardiomyopathy 2A (CMD2A). Also called: CARDIOMYOPATHY, CONGESTIVE, AUTOSOMAL RECESSIVE; CARDIOMYOPATHY, DILATED, AUTOSOMAL RECESSIVE. Identifiers: Orphanet 154, MedGen C2678474, MONDO:0012746, OMIM 611880.
Cardiomyopathy, familial restrictive, 1. Identifiers: Orphanet 75249, MedGen C1861861, MONDO:0007270, OMIM 115210.
Hypertrophic cardiomyopathy 7. Also called: TNNI3-Related Familial Hypertrophic Cardiomyopathy; Familial hypertrophic cardiomyopathy 7; CARDIOMYOPATHY, FAMILIAL HYPERTROPHIC, 7, MODIFIER OF. Identifiers: MedGen C1860752, MONDO:0013369, OMIM 613690.
Hypertrophic cardiomyopathy. Also called: HYPERTROPHIC MYOCARDIOPATHY. Identifiers: Orphanet 217569, MedGen C0007194, MeSH D002312, MONDO:0005045, HP:0001639.

Allele frequency attached by ClinVar (database versions not stated): TOPMed 0.04584; 1000 Genomes Project 30x 0.04638; 1000 Genomes Project 0.04772; ESP Exome Variant Server 0.04846; gnomAD 0.04860 and 0.05037; gnomAD exomes 0.06511 and 0.06756; ExAC 0.06598.
gnomAD v4.1: 106,796 of 1,611,958 alleles (6.6%); highest among the groups gnomAD compares: Middle Eastern, 16%; 4,094 homozygotes.

Submissions (20):

Labcorp Genetics (formerly Invitae), Labcorp
Classification: Benign for Hypertrophic cardiomyopathy. Last evaluated: 2026-02-04. Review status: criteria provided, single submitter. Criteria: Invitae Variant Classification Sherloc (09022015). Collection method: clinical testing. Allele origin: germline.

Genomic Medicine Center of Excellence, King Faisal Specialist Hospital and Research Centre
Classification: Likely benign for Hypertrophic cardiomyopathy 7. Last evaluated: 2025-07-30. Review status: criteria provided, single submitter. Criteria: ACMG Guidelines, 2015. Collection method: clinical testing. Allele origin: germline.

Blueprint Genetics
Classification: Benign. Last evaluated: 2024-11-28. Review status: criteria provided, single submitter. Criteria: ACMG Guidelines, 2015. Collection method: clinical testing. Allele origin: germline.

All of Us Research Program, National Institutes of Health
Classification: Benign for Hypertrophic cardiomyopathy. Last evaluated: 2024-02-05. Review status: criteria provided, single submitter. Criteria: ACMG Guidelines, 2015. Collection method: clinical testing. Allele origin: germline. Inheritance: Autosomal dominant inheritance. Observed: 13,306 variant alleles, 12,753 heterozygotes, 553 homozygotes.
Comment: This study involves interpretation of variants in research participants for the purpose of population health screening. Participant phenotype was not available at the time of variant classification. Additional details can be found in publication PMID: 35346344, PMCID: PMC8962531

Molecular Diagnostic Laboratory for Inherited Cardiovascular Disease, Montreal Heart Institute
Classification: Benign. Last evaluated: 2020-02-28. Review status: criteria provided, single submitter. Criteria: ACMG Guidelines, 2015. Collection method: clinical testing. Allele origin: germline. Affected: yes.

Color Diagnostics, LLC DBA Color Health
Classification: Benign for Cardiomyopathy. Last evaluated: 2018-04-08. Review status: criteria provided, single submitter. Criteria: ACMG Guidelines, 2015. Collection method: clinical testing. Allele origin: germline.

Illumina Laboratory Services, Illumina
Classification: Uncertain significance for Dilated cardiomyopathy 2A. Last evaluated: 2018-01-12. Review status: criteria provided, single submitter. Criteria: ICSL Variant Classification Criteria 13 December 2019. Collection method: clinical testing. Allele origin: germline.

Illumina Laboratory Services, Illumina
Classification: Benign for Familial Hypertrophic Cardiomyopathy with Wolff-Parkinson-White Syndrome. Last evaluated: 2018-01-12. Review status: criteria provided, single submitter. Criteria: ICSL Variant Classification Criteria 13 December 2019. Collection method: clinical testing. Allele origin: germline.
Comment: This variant was observed in the ICSL laboratory as part of a predisposition screen in an ostensibly healthy population. It had not been previously curated by ICSL or reported in the Human Gene Mutation Database (HGMD: prior to June 1st, 2018), and was therefore a candidate for classification through an automated scoring system. Utilizing variant allele frequency, disease prevalence and penetrance estimates, and inheritance mode, an automated score was calculated to assess if this variant is too frequent to cause the disease. Based on the score and internal cut-off values, a variant classified as benign is not then subjected to further curation. The score for this variant resulted in a classification of benign for this disease.

Illumina Laboratory Services, Illumina
Classification: Benign for Hypertrophic cardiomyopathy 7. Last evaluated: 2018-01-12. Review status: criteria provided, single submitter. Criteria: ICSL Variant Classification Criteria 13 December 2019. Collection method: clinical testing. Allele origin: germline.
Comment: the same text as in the submission from Illumina Laboratory Services, Illumina above.

Illumina Laboratory Services, Illumina
Classification: Benign for Cardiomyopathy, familial restrictive, 1. Last evaluated: 2018-01-12. Review status: criteria provided, single submitter. Criteria: ICSL Variant Classification Criteria 13 December 2019. Collection method: clinical testing. Allele origin: germline.
Comment: the same text as in the submission from Illumina Laboratory Services, Illumina above.

Ambry Genetics
Classification: Benign for Cardiovascular phenotype. Last evaluated: 2015-06-15. Review status: criteria provided, single submitter. Criteria: Ambry Variant Classification Scheme 2023. Collection method: clinical testing. Allele origin: germline.

Mayo Clinic Laboratories, Mayo Clinic
Classification: Benign. Last evaluated: 2014-08-06. Review status: criteria provided, single submitter. Criteria: ACMG Guidelines, 2015. Collection method: clinical testing. Allele origin: germline. Observed: 221 variant alleles.

GeneDx
Classification: Benign. Last evaluated: 2011-06-27. Review status: criteria provided, single submitter. Criteria: GeneDx Variant Classification (06012015). Collection method: clinical testing. Allele origin: germline. Affected: yes.
Comment: This variant is considered likely benign or benign based on one or more of the following criteria: it is a conservative change, it occurs at a poorly conserved position in the protein, it is predicted to be benign by multiple in silico algorithms, and/or has population frequency not consistent with disease.

Laboratory for Molecular Medicine, Mass General Brigham Personalized Medicine
Classification: Benign. Last evaluated: 2008-01-18. Review status: criteria provided, single submitter. Criteria: LMM Criteria. Collection method: clinical testing. Allele origin: germline. Observed: 634 variant alleles.

PreventionGenetics, part of Exact Sciences
Classification: Benign. Review status: criteria provided, single submitter. Criteria: ACMG Guidelines, 2015. Collection method: clinical testing. Allele origin: germline.

Cohesion Phenomics
Classification: Benign for Cardiomyopathy. Last evaluated: 2022-10-10. Review status: no assertion criteria provided. Criteria: ACMG Guidelines, 2015. Collection method: clinical testing. Allele origin: germline. Affected: yes. Not counted in ClinVar's aggregate classification.

Clinical Genetics DNA and cytogenetics Diagnostics Lab, Erasmus MC, Erasmus Medical Center
Classification: Benign. Review status: no assertion criteria provided. Collection method: clinical testing. Allele origin: germline. Affected: yes. Study: VKGL Data-share Consensus. Not counted in ClinVar's aggregate classification.

Clinical Genetics, Academic Medical Center
Classification: Benign. Review status: no assertion criteria provided. Collection method: clinical testing. Allele origin: germline. Affected: yes. Study: VKGL Data-share Consensus. Not counted in ClinVar's aggregate classification.

Diagnostic Laboratory, Department of Genetics, University Medical Center Groningen
Classification: Benign. Review status: no assertion criteria provided. Collection method: clinical testing. Allele origin: germline. Affected: yes. Study: VKGL Data-share Consensus. Not counted in ClinVar's aggregate classification.

Joint Genome Diagnostic Labs from Nijmegen and Maastricht, Radboudumc and MUMC+
Classification: Benign. Review status: no assertion criteria provided. Collection method: clinical testing. Allele origin: germline. Affected: yes. Study: VKGL Data-share Consensus. Not counted in ClinVar's aggregate classification.

NM_000363.5(TNNI3):c.537G>A (p.Glu179=)

Gene: TNNI3 (troponin I3, cardiac type; minus strand). Cytogenetic location: 19q13.42.
Variant type: single nucleotide variant.
Coding change: c.537G>A on transcript NM_000363.5 (MANE Select); coding-DNA position 537, G replaced by A.
Protein change: p.Glu179=; no amino-acid change (glutamic acid 179 retained).
Molecular consequence: synonymous variant.
Genome position (GRCh38, 1-based): chr19:55,154,042, C>T on the plus strand (G>A on the coding strand, the complement: TNNI3 is on the minus strand). VCF-style: chr19-55154042-C-T. GRCh37 (hg19) VCF-style: chr19-55665410-C-T.
Other names: p.E179E:GAG>GAA; p.Glu179=.
Identifiers: ClinVar variation 43391 (VCV000043391.44), dbSNP rs3729841, ClinGen allele CA021842.